The following is an entry in ClinVar:

NM_001376.5(DYNC1H1):c.4657G>A (p.Gly1553Ser)

Gene: DYNC1H1 (dynein cytoplasmic 1 heavy chain 1; plus strand). Cytogenetic location: 14q32.31.
Variant type: single nucleotide variant.
Coding change: c.4657G>A on transcript NM_001376.5 (MANE Select); coding-DNA position 4657, G replaced by A.
Protein change: p.Gly1553Ser; replaces glycine 1553 with serine.
Molecular consequence: missense variant.
Genome position (GRCh38, 1-based): chr14:102,002,651, G>A. VCF-style: chr14-102002651-G-A. GRCh37 (hg19) VCF-style: chr14-102468988-G-A.
Other names: c.4657G>A (NM_001376.4); short protein forms G1553S.
Identifiers: ClinVar variation 1690802 (VCV001690802.5), dbSNP rs767868450, ClinGen allele CA7352276.

ClinVar aggregate classification (germline): Uncertain significance. Review status: criteria provided, multiple submitters, no conflicts (2 of 4 stars). 2 submissions from 2 submitters: Uncertain significance (2). Last evaluated 2025-05-17.

Conditions:
Inborn genetic diseases. Identifiers: MedGen C0950123, MeSH D030342.

Allele frequency attached by ClinVar (database versions not stated): ExAC 0.00002; gnomAD exomes 0.00001 and below 0.00001; TOPMed below 0.00001.
gnomAD v4.1: 7 of 1,614,206 alleles (0.00043%); highest among the groups gnomAD compares: Non-Finnish European, 0.00059%; no homozygotes.

Submissions (2):

Ambry Genetics
Classification: Uncertain significance for Inborn genetic diseases. Last evaluated: 2025-05-17. Review status: criteria provided, single submitter. Criteria: Ambry Variant Classification Scheme 2023. Collection method: clinical testing. Allele origin: germline.

Laboratorio de Genetica e Diagnostico Molecular, Hospital Israelita Albert Einstein
Classification: Uncertain significance. Last evaluated: 2020-02-13. Review status: criteria provided, single submitter. Criteria: ACMG Guidelines, 2015. Collection method: clinical testing. Allele origin: germline. Affected: yes.
Comment: ACMG classification criteria: PM2